The following is an entry in ClinVar:

NM_000038.6(APC):c.8332dup (p.Ala2778fs)

Gene: APC (APC regulator of Wnt signaling pathway; plus strand). Cytogenetic location: 5q22.2.
Variant type: Duplication.
Coding change: c.8332dup on transcript NM_000038.6 (MANE Select); coding-DNA position 8332, one base duplicated (G; older notation c.8332dupG).
Protein change: p.Ala2778fs; shifts the reading frame from alanine 2778.
Molecular consequence: frameshift variant.
Genome position (GRCh38, 1-based): chr5:112,843,926, G duplicated. VCF-style (leftmost placement, unchanged base first): chr5-112843925-T-TG. GRCh37 (hg19) VCF-style: chr5-112179622-T-TG.
Other names: c.8332dup, p.Ala2778fs (NM_001127510.3, NM_001354895.2); c.8278dup, p.Ala2760fs (NM_001127511.3); c.8386dup, p.Ala2796fs (NM_001354896.2); c.8362dup, p.Ala2788fs (NM_001354897.2); c.8257dup, p.Ala2753fs (NM_001354898.2); c.8248dup, p.Ala2750fs (NM_001354899.2); c.8209dup, p.Ala2737fs (NM_001354900.2); c.8155dup, p.Ala2719fs (NM_001354901.2); and 16 more; short protein forms A2495fs, A2677fs, A2737fs, A2796fs, A2618fs, A2652fs, A2750fs, A2778fs.
Identifiers: ClinVar variation 1762968 (VCV001762968.2), dbSNP rs2533860179, ClinGen allele CA2580072471.

ClinVar aggregate classification (germline): Likely pathogenic (1 of 4 stars; one submission).

Conditions:
Hereditary cancer-predisposing syndrome. Also called: Neoplastic Syndromes, Hereditary; Tumor predisposition; Hereditary Cancer Syndrome; Hereditary neoplastic syndrome. Identifiers: Orphanet 140162, MedGen C0027672, MeSH D009386, MONDO:0015356.

Submission:

Ambry Genetics
Classification: Likely pathogenic for Hereditary cancer-predisposing syndrome. Last evaluated: 2022-10-05. Review status: criteria provided, single submitter. Criteria: Ambry Variant Classification Scheme 2023. Collection method: clinical testing. Allele origin: germline.
Comment: The c.8332dupG variant, located in coding exon 15 of the APC gene, results from a duplication of G at nucleotide position 8332, causing a translational frameshift with a predicted alternate stop codon (p.A2778Gfs*8). This alteration occurs at the 3' terminus of theAPC gene, is not expected to trigger nonsense-mediated mRNA decay, and only impacts the last 66 amino acids of the protein. However, premature stop codons are typically deleterious in nature and the impacted region is critical for protein function (Ambry internal data). This variant is considered to be rare based on population cohorts in the Genome Aggregation Database (gnomAD). Based on the majority of available evidence to date, this variant is likely to be pathogenic. However, this alteration has not been seen in individuals with classic FAP (Ambry internal data). Clinical correlation is advised.